The following is an entry in ClinVar:

ClinVar aggregate classification (germline): Benign/Likely benign. Review status: criteria provided, multiple submitters, no conflicts (2 of 4 stars). 7 submissions from 7 submitters: Benign (2); Likely benign (4). 1 of the submissions does not count toward it. Last evaluated 2026-01-31.

Conditions:
RELN-related disorder. Also called: RELN-related condition.
Norman-Roberts syndrome (LIS2). Also called: Lissencephaly 2 (Norman-Roberts type). Identifiers: Orphanet 89844, MedGen C0796089, MONDO:0009760, OMIM 257320.
Familial temporal lobe epilepsy 7. Identifiers: Orphanet 101046, MedGen C4225327, MONDO:0014639, OMIM 616436.

Allele frequency attached by ClinVar (database versions not stated): gnomAD exomes 0.00024 and 0.00075; ExAC 0.00091; 1000 Genomes Project 30x 0.00219; ESP Exome Variant Server 0.00238; 1000 Genomes Project 0.00240; gnomAD 0.00273 and 0.00291; TOPMed 0.00308.
gnomAD v4.1: 784 of 1,614,106 alleles (0.049%); highest among the groups gnomAD compares: African/African-American, 0.93%; 4 homozygotes.

Submissions (7):

Labcorp Genetics (formerly Invitae), Labcorp
Classification: Benign for Familial temporal lobe epilepsy 7; Norman-Roberts syndrome. Last evaluated: 2026-01-31. Review status: criteria provided, single submitter. Criteria: Invitae Variant Classification Sherloc (09022015). Collection method: clinical testing. Allele origin: germline.

Mayo Clinic Laboratories, Mayo Clinic
Classification: Benign. Last evaluated: 2025-10-17. Review status: criteria provided, single submitter. Criteria: ACMG Guidelines, 2015. Collection method: clinical testing. Allele origin: germline. Observed: 2 variant alleles.
Comment: BA1, BP4, BP7

CeGaT Center for Human Genetics Tuebingen
Classification: Likely benign. Last evaluated: 2025-09-01. Review status: criteria provided, single submitter. Criteria: CeGaT Center For Human Genetics Tuebingen Variant Classification Criteria Version 2. Collection method: clinical testing. Allele origin: germline. Affected: yes. Observed: 5 variant alleles.
Comment: RELN: BP4

Blueprint Genetics
Classification: Likely benign. Last evaluated: 2024-09-02. Review status: criteria provided, single submitter. Criteria: ACMG Guidelines, 2015. Collection method: clinical testing. Allele origin: germline.

GeneDx
Classification: Likely benign. Last evaluated: 2021-03-09. Review status: criteria provided, single submitter. Criteria: GeneDx Variant Classification Process June 2021. Collection method: clinical testing. Allele origin: germline. Affected: yes.

Illumina Laboratory Services, Illumina
Classification: Likely benign for Norman-Roberts syndrome. Last evaluated: 2018-01-12. Review status: criteria provided, single submitter. Criteria: ICSL Variant Classification Criteria 13 December 2019. Collection method: clinical testing. Allele origin: germline.
Comment: This variant was observed in the ICSL laboratory as part of a predisposition screen in an ostensibly healthy population. It had not been previously curated by ICSL or reported in the Human Gene Mutation Database (HGMD: prior to June 1st, 2018), and was therefore a candidate for classification through an automated scoring system. Utilizing variant allele frequency, disease prevalence and penetrance estimates, and inheritance mode, an automated score was calculated to assess if this variant is too frequent to cause the disease. Based on the score and internal cut-off values, a variant classified as likely benign is not then subjected to further curation. The score for this variant resulted in a classification of likely benign for this disease.

PreventionGenetics, part of Exact Sciences
Classification: Benign for RELN-related condition. Last evaluated: 2020-01-13. Review status: no assertion criteria provided. Collection method: clinical testing. Allele origin: germline. Not counted in ClinVar's aggregate classification.
Comment: This variant is classified as benign based on ACMG/AMP sequence variant interpretation guidelines (Richards et al. 2015 PMID: 25741868, with internal and published modifications).

NM_005045.4(RELN):c.6228C>T (p.Ser2076=)

Gene: RELN (reelin; minus strand). Cytogenetic location: 7q22.1.
Variant type: single nucleotide variant.
Coding change: c.6228C>T on transcript NM_005045.4 (MANE Select); coding-DNA position 6228, C replaced by T.
Protein change: p.Ser2076=; no amino-acid change (serine 2076 retained).
Molecular consequence: synonymous variant.
Genome position (GRCh38, 1-based): chr7:103,551,141, G>A on the plus strand (C>T on the coding strand, the complement: RELN is on the minus strand). VCF-style: chr7-103551141-G-A. GRCh37 (hg19) VCF-style: chr7-103191588-G-A.
Other names: p.Ser2076=; c.6228C>T, p.Ser2076= (NM_173054.3).
Identifiers: ClinVar variation 358390 (VCV000358390.80), dbSNP rs115379833, ClinGen allele CA4421001.